The following is an entry in ClinVar:

NM_005219.5(DIAPH1):c.469C>G (p.Arg157Gly)

Gene: DIAPH1 (diaphanous related formin 1; minus strand). Cytogenetic location: 5q31.3.
Variant type: single nucleotide variant.
Coding change: c.469C>G on transcript NM_005219.5 (MANE Select); coding-DNA position 469, C replaced by G.
Protein change: p.Arg157Gly; replaces arginine 157 with glycine.
Molecular consequence: missense variant.
Genome position (GRCh38, 1-based): chr5:141,583,549, G>C on the plus strand (C>G on the coding strand, the complement: DIAPH1 is on the minus strand). VCF-style: chr5-141583549-G-C. GRCh37 (hg19) VCF-style: chr5-140963116-G-C.
Other names: c.442C>G, p.Arg148Gly (NM_001079812.3); c.469C>G, p.Arg157Gly (NM_001314007.2); short protein forms R148G, R157G.
Identifiers: ClinVar variation 2952554 (VCV002952554.3), dbSNP rs534491046, ClinGen allele CA3479590.

ClinVar aggregate classification (germline): Uncertain significance (1 of 4 stars; one submission).

Conditions:
Autosomal dominant nonsyndromic hearing loss 1. Also called: DEAFNESS, AUTOSOMAL DOMINANT 1, WITH OR WITHOUT THROMBOCYTOPENIA; KONIGSMARK SYNDROME. Identifiers: Orphanet 90635, MedGen C1852282, MONDO:0007424, OMIM 124900.
Progressive microcephaly-seizures-cortical blindness-developmental delay syndrome. Also called: Seizures, cortical blindness, and microcephaly syndrome. Identifiers: Orphanet 477814, MedGen C5567650, MONDO:0014714, OMIM 616632.

Allele frequency attached by ClinVar (database versions not stated): ExAC 0.00001.

Submission:

Labcorp Genetics (formerly Invitae), Labcorp
Classification: Uncertain significance for Progressive microcephaly-seizures-cortical blindness-developmental delay syndrome; Autosomal dominant nonsyndromic hearing loss 1. Last evaluated: 2023-10-05. Review status: criteria provided, single submitter. Criteria: Invitae Variant Classification Sherloc (09022015). Collection method: clinical testing. Allele origin: germline.
Comment: This sequence change replaces arginine, which is basic and polar, with glycine, which is neutral and non-polar, at codon 157 of the DIAPH1 protein (p.Arg157Gly). This variant is not present in population databases (gnomAD no frequency). This variant has not been reported in the literature in individuals affected with DIAPH1-related conditions. Experimental studies and prediction algorithms are not available or were not evaluated, and the functional significance of this variant is currently unknown. In summary, the available evidence is currently insufficient to determine the role of this variant in disease. Therefore, it has been classified as a Variant of Uncertain Significance.